The following is an entry in ClinVar:

ClinVar aggregate classification (germline): Uncertain significance (1 of 4 stars; one submission).

Allele frequency attached by ClinVar (database versions not stated): gnomAD exomes below 0.00001.
gnomAD v4.1: 1 of 1,613,948 alleles (0.000062%); highest among the groups gnomAD compares: Non-Finnish European, 0.000085%; no homozygotes.

Submission:

GeneDx
Classification: Uncertain significance. Last evaluated: 2022-12-16. Review status: criteria provided, single submitter. Criteria: GeneDx Variant Classification Process June 2021. Collection method: clinical testing. Allele origin: germline. Affected: yes.
Comment: Not observed at significant frequency in large population cohorts (gnomAD); In silico analysis supports that this missense variant has a deleterious effect on protein structure/function; Has not been previously published as pathogenic or benign to our knowledge

NM_003922.4(HERC1):c.10132A>G (p.Arg3378Gly)

Gene: HERC1 (HECT and RLD domain containing E3 ubiquitin protein ligase family member 1; minus strand). Cytogenetic location: 15q22.31.
Variant type: single nucleotide variant.
Coding change: c.10132A>G on transcript NM_003922.4 (MANE Select); coding-DNA position 10132, A replaced by G.
Protein change: p.Arg3378Gly; replaces arginine 3378 with glycine.
Molecular consequence: missense variant.
Genome position (GRCh38, 1-based): chr15:63,654,277, T>C on the plus strand (A>G on the coding strand, the complement: HERC1 is on the minus strand). VCF-style: chr15-63654277-T-C. GRCh37 (hg19) VCF-style: chr15-63946476-T-C.
Other names: short protein forms R3378G.
Identifiers: ClinVar variation 2505641 (VCV002505641.1), dbSNP rs2551170940, ClinGen allele CA392755140.